The following is an entry in ClinVar:

ClinVar aggregate classification (germline): Uncertain significance. Review status: criteria provided, multiple submitters, no conflicts (2 of 4 stars). 3 submissions from 3 submitters: Uncertain significance (3). Last evaluated 2025-03-25.

Conditions:
Myopathy, centronuclear, 2 (CNM2). Also called: MYOTUBULAR MYOPATHY, AUTOSOMAL RECESSIVE. Identifiers: Orphanet 169186, MedGen CN031787, MONDO:0009709, OMIM 255200.

Allele frequency attached by ClinVar (database versions not stated): ExAC 0.00002; gnomAD 0.00001; gnomAD exomes 0.00002 and 0.00003; TOPMed 0.00003.
gnomAD v4.1: 14 of 1,613,802 alleles (0.00087%); highest among the groups gnomAD compares: Admixed American, 0.02%; no homozygotes.

Submissions (3):

Labcorp Genetics (formerly Invitae), Labcorp
Classification: Uncertain significance for Myopathy, centronuclear, 2. Last evaluated: 2025-03-25. Review status: criteria provided, single submitter. Criteria: Invitae Variant Classification Sherloc (09022015). Collection method: clinical testing. Allele origin: germline.
Comment: This sequence change replaces serine, which is neutral and polar, with glycine, which is neutral and non-polar, at codon 244 of the BIN1 protein (p.Ser244Gly). This variant is present in population databases (rs777898974, gnomAD 0.02%). This variant has not been reported in the literature in individuals affected with BIN1-related conditions. ClinVar contains an entry for this variant (Variation ID: 1437027). Invitae Evidence Modeling of protein sequence and biophysical properties (such as structural, functional, and spatial information, amino acid conservation, physicochemical variation, residue mobility, and thermodynamic stability) has been performed for this missense variant. However, the output from this modeling did not meet the statistical confidence thresholds required to predict the impact of this variant on BIN1 protein function. In summary, the available evidence is currently insufficient to determine the role of this variant in disease. Therefore, it has been classified as a Variant of Uncertain Significance.

GeneDx
Classification: Uncertain significance. Last evaluated: 2025-02-01. Review status: criteria provided, single submitter. Criteria: GeneDx Variant Classification Process June 2021. Collection method: clinical testing. Allele origin: germline. Affected: yes.
Comment: In silico analysis supports that this missense variant has a deleterious effect on protein structure/function; Has not been previously published as pathogenic or benign to our knowledge

Revvity Omics, Revvity
Classification: Uncertain significance for Myopathy, centronuclear, 2. Last evaluated: 2023-12-05. Review status: criteria provided, single submitter. Criteria: ACMG Guidelines, 2015. Collection method: clinical testing. Allele origin: germline.

NM_139343.3(BIN1):c.730A>G (p.Ser244Gly)

Gene: BIN1 (bridging integrator 1; minus strand). Cytogenetic location: 2q14.3.
Variant type: single nucleotide variant.
Coding change: c.730A>G on transcript NM_139343.3 (MANE Select); coding-DNA position 730, A replaced by G.
Protein change: p.Ser244Gly; replaces serine 244 with glycine.
Molecular consequence: missense variant.
Genome position (GRCh38, 1-based): chr2:127,063,615, T>C on the plus strand (A>G on the coding strand, the complement: BIN1 is on the minus strand). VCF-style: chr2-127063615-T-C. GRCh37 (hg19) VCF-style: chr2-127821191-T-C.
Other names: c.637A>G, p.Ser213Gly (NM_001320632.2, NM_001320641.2, NM_004305.4 and 6 more transcripts); c.730A>G, p.Ser244Gly (NM_001320633.2, NM_001320640.2, NM_139344.3 and 1 more transcripts); c.565A>G, p.Ser189Gly (NM_001320634.1); c.649A>G, p.Ser217Gly (NM_001320642.1); c.730A>G (NM_139343.2); short protein forms S213G, S244G, S189G, S217G.
Identifiers: ClinVar variation 1437027 (VCV001437027.10), dbSNP rs777898974, ClinGen allele CA1857355.